The following is an entry in ClinVar:

NM_177972.3(TUB):c.299G>A (p.Arg100His)

Genes: RIC3 (RIC3 acetylcholine receptor chaperone; minus strand), TUB (TUB bipartite transcription factor; plus strand). Cytogenetic location: 11p15.4.
Variant type: single nucleotide variant.
Coding change: c.299G>A on transcript NM_177972.3 (MANE Select); coding-DNA position 299, G replaced by A.
Protein change: p.Arg100His; replaces arginine 100 with histidine.
Molecular consequence: missense variant. On other transcripts: non-coding transcript variant (1).
Genome position (GRCh38, 1-based): chr11:8,094,091, G>A. VCF-style: chr11-8094091-G-A. GRCh37 (hg19) VCF-style: chr11-8115638-G-A.
Other names: c.464G>A (NM_003320.4); c.464G>A, p.Arg155His (NM_003320.5); short protein forms R155H, R100H.
Identifiers: ClinVar variation 1907236 (VCV001907236.4), dbSNP rs927244436, ClinGen allele CA217419494.
Genomic context (GRCh38, chr11:8,094,091, plus strand): 5'-ATGTTTCCTGAGCAGTTCAAGAGGCCGACTCACTCGCCAGTGTGCAGCTGGGAGCCACGC[G>A]CCCAACAGCACCAGCTTCAGCCAAGAGAACCAAGGCGGCAGCTACAGCAGGGGGCCAGGG-3'
Protein context (NP_813977.1, residues 90-110): SLASVQLGAT[Arg100His]PTAPASAKRT

ClinVar aggregate classification (germline): Uncertain significance. Review status: criteria provided, multiple submitters, no conflicts (2 of 4 stars). 2 submissions from 2 submitters: Uncertain significance (2). Last evaluated 2026-09-25.

Conditions:
TUB-related disorder. Also called: TUB-related condition.

Allele frequency attached by ClinVar (database versions not stated): gnomAD 0.00002; gnomAD exomes 0.00002; TOPMed 0.00002.
gnomAD v4.1: 27 of 1,614,050 alleles (0.0017%); highest among the groups gnomAD compares: African/African-American, 0.0067%; no homozygotes.

Submissions (2):

PreventionGenetics, part of Exact Sciences
Classification: Uncertain significance for TUB-related condition. Last evaluated: 2026-09-25. Review status: criteria provided, single submitter. Criteria: ACMG Guidelines, 2015. Collection method: clinical testing. Allele origin: germline.
Comment: The TUB c.464G>A variant is predicted to result in the amino acid substitution p.Arg155His. To our knowledge, this variant has not been reported in the literature. This variant is reported in 0.0062% of alleles in individuals of African descent in gnomAD. At this time, the clinical significance of this variant is uncertain due to the absence of conclusive functional and genetic evidence.

Labcorp Genetics (formerly Invitae), Labcorp
Classification: Uncertain significance. Last evaluated: 2023-04-24. Review status: criteria provided, single submitter. Criteria: Invitae Variant Classification Sherloc (09022015). Collection method: clinical testing. Allele origin: germline.
Comment: In summary, the available evidence is currently insufficient to determine the role of this variant in disease. Therefore, it has been classified as a Variant of Uncertain Significance. Algorithms developed to predict the effect of missense changes on protein structure and function output the following: SIFT: "Not Available"; PolyPhen-2: "Benign"; Align-GVGD: "Not Available". The histidine amino acid residue is found in multiple mammalian species, which suggests that this missense change does not adversely affect protein function. ClinVar contains an entry for this variant (Variation ID: 1907236). This variant has not been reported in the literature in individuals affected with TUB-related conditions. This variant is present in population databases (no rsID available, gnomAD 0.007%). This sequence change replaces arginine, which is basic and polar, with histidine, which is basic and polar, at codon 155 of the TUB protein (p.Arg155His).